The following is an entry in ClinVar:

NM_002693.3(POLG):c.1403A>G (p.Asn468Ser)

Gene: POLG (DNA polymerase gamma, catalytic subunit; minus strand). Cytogenetic location: 15q26.1.
Variant type: single nucleotide variant.
Coding change: c.1403A>G on transcript NM_002693.3 (MANE Select); coding-DNA position 1403, A replaced by G.
Protein change: p.Asn468Ser; replaces asparagine 468 with serine.
Molecular consequence: missense variant.
Genome position (GRCh38, 1-based): chr15:89,327,197, T>C on the plus strand (A>G on the coding strand, the complement: POLG is on the minus strand). VCF-style: chr15-89327197-T-C. GRCh37 (hg19) VCF-style: chr15-89870428-T-C.
Other names: p.N468S:AAT>AGT; c.1403A>G, p.Asn468Ser (NM_001126131.2); short protein forms N468S.
Identifiers: ClinVar variation 206630 (VCV000206630.22), dbSNP rs368614463, ClinGen allele CA316897.

ClinVar aggregate classification (germline): Uncertain significance. Review status: criteria provided, multiple submitters, no conflicts (2 of 4 stars). 9 submissions from 9 submitters: Uncertain significance (8). 1 of the submissions does not count toward it. Last evaluated 2026-01-08.

Conditions:
POLG-related disorder. Also called: POLG-related condition; POLG-Related Disorders; POLG-Related Spectrum Disorders. Identifiers: MedGen C4763519.
Inborn genetic diseases. Identifiers: MedGen C0950123, MeSH D030342.
Progressive external ophthalmoplegia with mitochondrial DNA deletions, autosomal dominant 1 (PEOA1). Also called: PROGRESSIVE EXTERNAL OPHTHALMOPLEGIA, AUTOSOMAL DOMINANT 1; Autosomal Dominant Progressive External Ophthalmoplegia (adPEO). Identifiers: MedGen C1834846, MONDO:0024528, OMIM 157640.
Progressive external ophthalmoplegia with mitochondrial DNA deletions, autosomal recessive 1 (PEOB1). Also called: Autosomal Recessive Progressive External Ophthalmoplegia (arPEO); Progressive external ophthalmoplegia, autosomal recessive 1. Identifiers: Orphanet 254886, MedGen C4225153, MONDO:0009783, OMIM 258450.
Progressive sclerosing poliodystrophy (MTDPS4A). Also called: ALPERS DIFFUSE DEGENERATION OF CEREBRAL GRAY MATTER WITH HEPATIC CIRRHOSIS; Alpers-Huttenlocher Syndrome; ALPERS PROGRESSIVE INFANTILE POLIODYSTROPHY; NEURONAL DEGENERATION OF CHILDHOOD WITH LIVER DISEASE, PROGRESSIVE; Mitochondrial DNA Depletion Syndrome 4A; Alpers-Huttenlocher Syndrome (AHS). Identifiers: Orphanet 726, MedGen C0205710, MONDO:0008758, OMIM 203700.
Mitochondrial DNA depletion syndrome 1. Also called: Mitochondrial Neurogastrointestinal Encephalopathy Disease; MITOCHONDRIAL NEUROGASTROINTESTINAL ENCEPHALOPATHY SYNDROME, TYMP-RELATED; MNGIE, TYMP-RELATED; POLIP SYNDROME; POLYNEUROPATHY, OPHTHALMOPLEGIA, LEUKOENCEPHALOPATHY, AND INTESTINAL PSEUDOOBSTRUCTION; Mitochondrial DNA Depletion Syndrome, MNGIE Form. Identifiers: Orphanet 298, MedGen C4551995, MONDO:0011283, OMIM 603041.
Sensory ataxic neuropathy, dysarthria, and ophthalmoparesis (SANDO). Also called: SENSORY ATAXIC NEUROPATHY WITH MITOCHONDRIAL DNA DELETIONS, AUTOSOMAL RECESSIVE; Epilepsy, progressive myoclonic, type 5; Sensory ataxic neuropathy-dysarthria-ophthalmoparesis syndrome; Ataxia Neuropathy Spectrum (ANS). Identifiers: Orphanet 70595, MedGen C1843851, MONDO:0011835, OMIM 607459.
Mitochondrial DNA depletion syndrome 4b. Also called: MNGIE, POLG-RELATED; Mitochondrial Neurogastrointestinal Encephalopathy Disease, POLG-Related. Identifiers: Orphanet 298, MedGen C3150914, MONDO:0013350, OMIM 613662.

Allele frequency attached by ClinVar (database versions not stated): gnomAD exomes 0.00002 and 0.00011; ExAC 0.00003; TOPMed 0.00007; ESP Exome Variant Server 0.00008; gnomAD 0.00011 and 0.00012.
gnomAD v4.1: 177 of 1,614,124 alleles (0.011%); highest among the groups gnomAD compares: Non-Finnish European, 0.014%; no homozygotes.

Submissions (9):

Women's Health and Genetics/Laboratory Corporation of America, LabCorp
Classification: Uncertain significance. Last evaluated: 2026-01-08. Review status: criteria provided, single submitter. Criteria: LabCorp Variant Classification Summary - May 2015. Collection method: clinical testing. Allele origin: germline.
Comment: Variant summary: POLG c.1403A>G (p.Asn468Ser) results in a conservative amino acid change in the encoded protein sequence. Algorithms developed to predict the effect of missense changes on protein structure and function are either unavailable or do not agree on the potential impact of this missense change. The variant allele was found at a frequency of 1.6e-05 in 251488 control chromosomes. The available data on variant occurrences in the general population are insufficient to allow any conclusion about variant significance. To our knowledge, no occurrence of c.1403A>G in individuals affected with POLG-related conditions and no experimental evidence demonstrating its impact on protein function have been reported. ClinVar contains an entry for this variant (Variation ID: 206630). Based on the evidence outlined above, the variant was classified as uncertain significance.

Labcorp Genetics (formerly Invitae), Labcorp
Classification: Uncertain significance for Progressive sclerosing poliodystrophy. Last evaluated: 2025-10-29. Review status: criteria provided, single submitter. Criteria: Invitae Variant Classification Sherloc (09022015). Collection method: clinical testing. Allele origin: germline.
Comment: This sequence change replaces asparagine, which is neutral and polar, with serine, which is neutral and polar, at codon 468 of the POLG protein (p.Asn468Ser). This variant is present in population databases (rs368614463, gnomAD 0.005%). This variant has not been reported in the literature in individuals affected with POLG-related conditions. ClinVar contains an entry for this variant (Variation ID: 206630). Invitae Evidence Modeling of protein sequence and biophysical properties (such as structural, functional, and spatial information, amino acid conservation, physicochemical variation, residue mobility, and thermodynamic stability) has been performed for this missense variant. However, the output from this modeling did not meet the statistical confidence thresholds required to predict the impact of this variant on POLG protein function. In summary, the available evidence is currently insufficient to determine the role of this variant in disease. Therefore, it has been classified as a Variant of Uncertain Significance.

GeneDx
Classification: Uncertain significance. Last evaluated: 2025-05-01. Review status: criteria provided, single submitter. Criteria: GeneDx Variant Classification Process June 2021. Collection method: clinical testing. Allele origin: germline. Affected: yes.
Comment: Not observed at significant frequency in large population cohorts (gnomAD); In silico analysis indicates that this missense variant does not alter protein structure/function; Has not been previously published as pathogenic or benign to our knowledge; This variant is associated with the following publications: (PMID: 28480171)

Athena Diagnostics
Classification: Uncertain significance. Last evaluated: 2025-02-06. Review status: criteria provided, single submitter. Criteria: Athena Diagnostics Criteria. Collection method: clinical testing. Allele origin: unknown.
Comment: Available data are insufficient to determine the clinical significance of the variant at this time. The frequency of this variant in the general population is uninformative in assessment of its pathogenicity. Polyphen and MutationTaster predict this amino acid change may be benign.

Ambry Genetics
Classification: Uncertain significance for Inborn genetic diseases. Last evaluated: 2022-02-28. Review status: criteria provided, single submitter. Criteria: Ambry Variant Classification Scheme 2023. Collection method: clinical testing. Allele origin: germline.

Fulgent Genetics
Classification: Uncertain significance for Progressive external ophthalmoplegia with mitochondrial DNA deletions, autosomal dominant 1; Progressive sclerosing poliodystrophy; Progressive external ophthalmoplegia with mitochondrial DNA deletions, autosomal recessive 1; Mitochondrial DNA depletion syndrome 1; Sensory ataxic neuropathy, dysarthria, and ophthalmoparesis; Mitochondrial DNA depletion syndrome 4b. Last evaluated: 2021-08-18. Review status: criteria provided, single submitter. Criteria: ACMG Guidelines, 2015. Collection method: clinical testing. Allele origin: unknown.

Revvity Omics, Revvity
Classification: Uncertain significance. Last evaluated: 2020-06-28. Review status: criteria provided, single submitter. Criteria: ACMG Guidelines, 2015. Collection method: clinical testing. Allele origin: germline.

Wong Mito Lab, Molecular and Human Genetics, Baylor College of Medicine
Classification: Uncertain significance for Progressive sclerosing poliodystrophy. Last evaluated: 2018-10-01. Review status: criteria provided, single submitter. Criteria: ACMG Guidelines, 2015. Collection method: clinical testing. Allele origin: germline.
Comment: The NM_002693.2:c.1403A>G (NP_002684.1:p.Asn468Ser) [GRCH38: NC_000015.10:g.89327197T>C] variant in POLG gene is interpretated to be a Uncertain Significance based on ACMG guidelines (PMID: 25741868). This variant meets the following evidence codes reported in the ACMG-guideline. PS1:This variation causes same amino-acid change as an established pathogenic variant. BS2:Observation of the variant in controls is inconsistent with penetrance of Mitochondrial DNA depletion syndrome 4A (Alpers type). Based on the evidence criteria codes applied, the variant is suggested to be Uncertain Significance.

PreventionGenetics, part of Exact Sciences
Classification: Uncertain significance for POLG-related condition. Last evaluated: 2024-04-25. Review status: no assertion criteria provided. Collection method: clinical testing. Allele origin: germline. Not counted in ClinVar's aggregate classification.
Comment: The POLG c.1403A>G variant is predicted to result in the amino acid substitution p.Asn468Ser. To our knowledge, this variant has not been reported in the literature. This variant is reported in 0.0046% of alleles in individuals of European (non-Finnish) descent in gnomAD. An alternative nucleotide change affecting the same amino acid (p.Asn468Asp) has been reported in individuals with autosomal recessive POLG-related mitochondrial disease (Luoma et al. 2004. PubMed ID: 15351195). At this time, the clinical significance of this variant is uncertain due to the absence of conclusive functional and genetic evidence.

Literature cited by the submitters: PubMed 31440721 (cited by Athena Diagnostics); PubMed 28480171 (cited by Athena Diagnostics).